The following is an entry in ClinVar:

NM_003000.3(SDHB):c.819T>A (p.Tyr273Ter)

Gene: SDHB (succinate dehydrogenase complex iron sulfur subunit B; minus strand). Cytogenetic location: 1p36.13.
Variant type: single nucleotide variant.
Coding change: c.819T>A on transcript NM_003000.3 (MANE Select); coding-DNA position 819, T replaced by A.
Protein change: p.Tyr273Ter; replaces tyrosine 273 with a stop codon.
Molecular consequence: nonsense.
Genome position (GRCh38, 1-based): chr1:17,018,905, A>T on the plus strand (T>A on the coding strand, the complement: SDHB is on the minus strand). VCF-style: chr1-17018905-A-T. GRCh37 (hg19) VCF-style: chr1-17345400-A-T.
Other names: short protein forms Y273*.
Identifiers: ClinVar variation 528724 (VCV000528724.6), dbSNP rs1553176966, ClinGen allele CA338268791.

ClinVar aggregate classification (germline): Uncertain significance (1 of 4 stars; one submission).

Conditions:
Pheochromocytoma. Also called: MAX-Related Hereditary Paraganglioma-Pheochromocytoma Syndrome. Identifiers: Orphanet 29072, MedGen C0031511, MONDO:0008233, OMIM 171300, HP:0002666.
Gastrointestinal stromal tumor. Also called: Gastrointestinal stromal tumor, somatic; Gastrointestinal stroma tumor. Identifiers: Orphanet 44890, MedGen C0238198, MeSH D046152, MONDO:0011719, OMIM 606764, HP:0100723.
Pheochromocytoma/paraganglioma syndrome 4. Also called: SDHB-Related Hereditary Paraganglioma-Pheochromocytoma Syndrome; PARAGANGLIOMA, FAMILIAL MALIGNANT; PARAGANGLIOMAS, HEREDITARY EXTRAADRENAL; PHEOCHROMOCYTOMA, FAMILIAL EXTRAADRENAL; Paragangliomas 4; CAROTID BODY TUMORS AND MULTIPLE EXTRAADRENAL PHEOCHROMOCYTOMAS. Identifiers: Orphanet 29072, MedGen C1861848, MONDO:0007273, OMIM 115310.

Submission:

Labcorp Genetics (formerly Invitae), Labcorp
Classification: Uncertain significance for Gastrointestinal stromal tumor; Pheochromocytoma/paraganglioma syndrome 4; Pheochromocytoma. Last evaluated: 2017-12-25. Review status: criteria provided, single submitter. Criteria: Invitae Variant Classification Sherloc (09022015). Collection method: clinical testing. Allele origin: germline.
Comment: In summary, the available evidence is currently insufficient to determine the role of this variant in disease. Therefore, it has been classified as a Variant of Uncertain Significance. This variant has not been reported in the literature in individuals with SDHB-related disease. This variant is not present in population databases (ExAC no frequency). This sequence change results in a premature translational stop signal in the SDHB gene (p.Tyr273*). While this is not anticipated to result in nonsense mediated decay, it is expected to delete the last 8 amino acids of the SDHB protein.